The following is an entry in ClinVar:

NM_006767.4(LZTR1):c.73del (p.Ala25fs)

Genes: LZTR1 (leucine zipper like post translational regulator 1; plus strand), LOC130067016 (ATAC-STARR-seq lymphoblastoid silent region 13504; plus strand). Cytogenetic location: 22q11.21.
Variant type: Deletion.
Coding change: c.73del on transcript NM_006767.4 (MANE Select); coding-DNA position 73, one base deleted (G; older notation c.73delG).
Protein change: p.Ala25fs; shifts the reading frame from alanine 25.
Molecular consequence: frameshift variant.
Genome position (GRCh38, 1-based): chr22:20,982,444, G deleted. VCF-style (leftmost placement, unchanged base first): chr22-20982443-AG-A. GRCh37 (hg19) VCF-style: chr22-21336732-AG-A.
Other names: short protein forms A25fs.
Identifiers: ClinVar variation 2169627 (VCV002169627.4), dbSNP rs1184396932, ClinGen allele CA751573618.

ClinVar aggregate classification (germline): Pathogenic (1 of 4 stars; one submission).

Allele frequency attached by ClinVar (database versions not stated): gnomAD exomes below 0.00001; TOPMed below 0.00001; gnomAD 0.00001.

Submission:

Labcorp Genetics (formerly Invitae), Labcorp
Classification: Pathogenic. Last evaluated: 2025-07-22. Review status: criteria provided, single submitter. Criteria: Invitae Variant Classification Sherloc (09022015). Collection method: clinical testing. Allele origin: germline.
Comment: This sequence change creates a premature translational stop signal (p.Ala25Profs*17) in the LZTR1 gene. It is expected to result in an absent or disrupted protein product. Loss-of-function variants in LZTR1 are known to be pathogenic (PMID: 24362817, 25335493, 25480913, 25795793, 29469822, 30368668, 30442762, 30442766, 30481304, 30859559). This variant is not present in population databases (gnomAD no frequency). This premature translational stop signal has been observed in individual(s) with schwannomatosis (PMID: 29384852). ClinVar contains an entry for this variant (Variation ID: 2169627). For these reasons, this variant has been classified as Pathogenic.

Literature cited by the submitters: PubMed 24362817; PubMed 25335493; PubMed 25480913; PubMed 25795793; PubMed 29469822; PubMed 30368668; PubMed 30442762; PubMed 30442766; PubMed 30481304; PubMed 30859559; PubMed 29384852.